The following is an entry in ClinVar:

NM_033305.3(VPS13A):c.3466A>G (p.Ile1156Val)

Gene: VPS13A (vacuolar protein sorting 13 homolog A; plus strand). Cytogenetic location: 9q21.2.
Variant type: single nucleotide variant.
Coding change: c.3466A>G on transcript NM_033305.3 (MANE Select); coding-DNA position 3466, A replaced by G.
Protein change: p.Ile1156Val; replaces isoleucine 1156 with valine.
Molecular consequence: missense variant.
Genome position (GRCh38, 1-based): chr9:77,293,467, A>G. VCF-style: chr9-77293467-A-G. GRCh37 (hg19) VCF-style: chr9-79908383-A-G.
Other names: c.3349A>G, p.Ile1117Val (NM_001018037.2); c.3466A>G, p.Ile1156Val (NM_001018038.3, NM_015186.4); short protein forms I1117V, I1156V.
Identifiers: ClinVar variation 915138 (VCV000915138.7), dbSNP rs369818421, ClinGen allele CA5092252.
Genomic context (GRCh38, chr9:77,293,467, plus strand): 5'-GGTTCTGCATACACAGATATGAATGTGGTTGACATTCAGGTTAATTTAATAGTTGGTTGC[A>G]TTGAAGTAGTTTTTGTCACGAAATTTCTATATTCTATATTGGTAAGTATTTTATTAAATT-3'
Protein context (NP_150648.2, residues 1146-1166): DIQVNLIVGC[Ile1156Val]EVVFVTKFLY

ClinVar aggregate classification (germline): Uncertain significance. Review status: criteria provided, multiple submitters, no conflicts (2 of 4 stars). 3 submissions from 3 submitters: Uncertain significance (3). Last evaluated 2024-10-07.

Conditions:
VPS13A-related neurodegenerative disease. Also called: Choreoacanthocytosis; Chorea-acanthocytosis; Choreaacanthocytosis; LEVINE-CRITCHLEY SYNDROME; VPS13A Disease; ACANTHOCYTOSIS WITH NEUROLOGIC DISORDER. Identifiers: Orphanet 2388, MedGen C0393576, MONDO:0008695, OMIM 200150.

Allele frequency attached by ClinVar (database versions not stated): gnomAD exomes 0.00002 and 0.00006; ExAC 0.00003; TOPMed 0.00003; gnomAD 0.00004 and 0.00005; ESP Exome Variant Server 0.00015; 1000 Genomes Project 30x 0.00016; 1000 Genomes Project 0.00020.
gnomAD v4.1: 90 of 1,599,650 alleles (0.0056%); highest among the groups gnomAD compares: Non-Finnish European, 0.0073%; no homozygotes.

Submissions (3):

Blueprint Genetics
Classification: Uncertain significance. Last evaluated: 2024-10-07. Review status: criteria provided, single submitter. Criteria: ACMG Guidelines, 2015. Collection method: clinical testing. Allele origin: germline.

Labcorp Genetics (formerly Invitae), Labcorp
Classification: Uncertain significance. Last evaluated: 2022-08-03. Review status: criteria provided, single submitter. Criteria: Invitae Variant Classification Sherloc (09022015). Collection method: clinical testing. Allele origin: germline.
Comment: This sequence change replaces isoleucine, which is neutral and non-polar, with valine, which is neutral and non-polar, at codon 1156 of the VPS13A protein (p.Ile1156Val). This variant is present in population databases (rs369818421, gnomAD 0.006%). This variant has not been reported in the literature in individuals affected with VPS13A-related conditions. ClinVar contains an entry for this variant (Variation ID: 915138). Algorithms developed to predict the effect of missense changes on protein structure and function are either unavailable or do not agree on the potential impact of this missense change (SIFT: "Tolerated"; PolyPhen-2: "Probably Damaging"; Align-GVGD: "Class C0"). In summary, the available evidence is currently insufficient to determine the role of this variant in disease. Therefore, it has been classified as a Variant of Uncertain Significance.

Illumina Laboratory Services, Illumina
Classification: Uncertain significance for VPS13A-related neurodegenerative disease. Last evaluated: 2018-01-13. Review status: criteria provided, single submitter. Criteria: ICSL Variant Classification Criteria 13 December 2019. Collection method: clinical testing. Allele origin: germline.